The following is an entry in ClinVar:

ClinVar aggregate classification (germline): Uncertain significance (1 of 4 stars; one submission).

Conditions:
Inborn genetic diseases. Identifiers: MedGen C0950123, MeSH D030342.

gnomAD v4.1: 1 of 1,614,008 alleles (0.000062%); highest among the groups gnomAD compares: Admixed American, 0.0017%; no homozygotes.

Submission:

Ambry Genetics
Classification: Uncertain significance for Inborn genetic diseases. Last evaluated: 2025-12-17. Review status: criteria provided, single submitter. Criteria: Ambry Variant Classification Scheme 2023. Collection method: clinical testing. Allele origin: germline.
Comment: The p.A405G variant (also known as c.1214C>G), located in coding exon 9 of the BUB1B gene, results from a C to G substitution at nucleotide position 1214. The alanine at codon 405 is replaced by glycine, an amino acid with similar properties. This amino acid position is conserved. In addition, this alteration is predicted to be tolerated by in silico analysis. Since supporting evidence is limited at this time, the clinical significance of this alteration remains unclear.

NM_001211.6(BUB1B):c.1214C>G (p.Ala405Gly)

Gene: BUB1B (BUB1 mitotic checkpoint serine/threonine kinase B; plus strand). Cytogenetic location: 15q15.1.
Variant type: single nucleotide variant.
Coding change: c.1214C>G on transcript NM_001211.6 (MANE Select); coding-DNA position 1214, C replaced by G.
Protein change: p.Ala405Gly; replaces alanine 405 with glycine.
Molecular consequence: missense variant.
Genome position (GRCh38, 1-based): chr15:40,196,700, C>G. VCF-style: chr15-40196700-C-G. GRCh37 (hg19) VCF-style: chr15-40488901-C-G.
Other names: short protein forms A405G.
Identifiers: ClinVar variation 3221335 (VCV003221335.2), dbSNP rs1380909243, ClinGen allele CA391687451.